The following is an entry in ClinVar:

ClinVar aggregate classification (germline): Uncertain significance (1 of 4 stars; one submission).

Conditions:
Inborn genetic diseases. Identifiers: MedGen C0950123, MeSH D030342.

Allele frequency attached by ClinVar (database versions not stated): TOPMed 0.00001.

Submission:

Ambry Genetics
Classification: Uncertain significance for Inborn genetic diseases. Last evaluated: 2018-04-26. Review status: criteria provided, single submitter. Criteria: Ambry Variant Classification Scheme 2023. Collection method: clinical testing. Allele origin: germline.
Comment: The p.S235G variant (also known as c.703A>G), located in coding exon 6 of the RAD21 gene, results from an A to G substitution at nucleotide position 703. The serine at codon 235 is replaced by glycine, an amino acid with similar properties. This amino acid position is highly conserved in available vertebrate species. In addition, this alteration is predicted to be tolerated by in silico analysis. Since supporting evidence is limited at this time, the clinical significance of this alteration remains unclear.

NM_006265.3(RAD21):c.703A>G (p.Ser235Gly)

Gene: RAD21 (RAD21 cohesin complex component; minus strand). Cytogenetic location: 8q24.11.
Variant type: single nucleotide variant.
Coding change: c.703A>G on transcript NM_006265.3 (MANE Select); coding-DNA position 703, A replaced by G.
Protein change: p.Ser235Gly; replaces serine 235 with glycine.
Molecular consequence: missense variant.
Genome position (GRCh38, 1-based): chr8:116,856,757, T>C on the plus strand (A>G on the coding strand, the complement: RAD21 is on the minus strand). VCF-style: chr8-116856757-T-C. GRCh37 (hg19) VCF-style: chr8-117868996-T-C.
Other names: short protein forms S235G.
Identifiers: ClinVar variation 1756817 (VCV001756817.2), dbSNP rs1812478662, ClinGen allele CA372005505.